The following is an entry in ClinVar:

NM_016239.4(MYO15A):c.3122C>A (p.Pro1041His)

Gene: MYO15A (myosin XVA; plus strand). Cytogenetic location: 17p11.2.
Variant type: single nucleotide variant.
Coding change: c.3122C>A on transcript NM_016239.4 (MANE Select); coding-DNA position 3122, C replaced by A.
Protein change: p.Pro1041His; replaces proline 1041 with histidine.
Molecular consequence: missense variant.
Genome position (GRCh38, 1-based): chr17:18,121,922, C>A. VCF-style: chr17-18121922-C-A. GRCh37 (hg19) VCF-style: chr17-18025236-C-A.
Other names: c.3122C>A (NM_016239.3); short protein forms P1041H.
Identifiers: ClinVar variation 930046 (VCV000930046.14), dbSNP rs200587502, ClinGen allele CA8423381.

ClinVar aggregate classification (germline): Conflicting classifications of pathogenicity. Review status: criteria provided, conflicting classifications (1 of 4 stars). 5 submissions from 5 submitters: Uncertain significance (2); Likely benign (3). Last evaluated 2026-04-01.

Conditions:
MYO15A-related disorder. Also called: MYO15A-related condition.
Inborn genetic diseases. Identifiers: MedGen C0950123, MeSH D030342.

Allele frequency attached by ClinVar (database versions not stated): ESP Exome Variant Server 0.00033; 1000 Genomes Project 0.00040; TOPMed 0.00040; 1000 Genomes Project 30x 0.00047.
gnomAD v4.1: 126 of 1,613,276 alleles (0.0078%); highest among the groups gnomAD compares: African/African-American, 0.14%; no homozygotes.

Submissions (5):

PreventionGenetics, part of Exact Sciences
Classification: Likely benign for MYO15A-related condition. Last evaluated: 2026-04-01. Review status: criteria provided, single submitter. Criteria: ACMG Guidelines, 2015. Collection method: clinical testing. Allele origin: germline.
Comment: This variant is classified as likely benign based on ACMG/AMP sequence variant interpretation guidelines (Richards et al. 2015 PMID: 25741868, with internal and published modifications).

Labcorp Genetics (formerly Invitae), Labcorp
Classification: Likely benign. Last evaluated: 2025-07-21. Review status: criteria provided, single submitter. Criteria: Invitae Variant Classification Sherloc (09022015). Collection method: clinical testing. Allele origin: germline.

GeneDx
Classification: Uncertain significance. Last evaluated: 2023-03-16. Review status: criteria provided, single submitter. Criteria: GeneDx Variant Classification Process June 2021. Collection method: clinical testing. Allele origin: germline. Affected: yes.
Comment: In silico analysis supports that this missense variant does not alter protein structure/function; Has not been previously published as pathogenic or benign to our knowledge

Ambry Genetics
Classification: Uncertain significance for Inborn genetic diseases. Last evaluated: 2021-09-14. Review status: criteria provided, single submitter. Criteria: Ambry Variant Classification Scheme 2023. Collection method: clinical testing. Allele origin: germline.

Laboratory for Molecular Medicine, Mass General Brigham Personalized Medicine
Classification: Likely benign. Last evaluated: 2020-01-14. Review status: criteria provided, single submitter. Criteria: LMM Criteria. Collection method: clinical testing. Allele origin: germline. Observed: 1 variant allele.
Comment: The p.Pro1041His variant in MYO15A is classified as likely benign because it has been identified in 0.18% (44/24154) of African chromosomes by gnomAD, and computational prediction tools predict that this variant does not impact the protein. ACMG/AMP Criteria applied: BS1_Supporting, BP4.